The following is an entry in ClinVar:

ClinVar aggregate classification (germline): Uncertain significance (1 of 4 stars; one submission).

Conditions:
Inborn genetic diseases. Identifiers: MedGen C0950123, MeSH D030342.

gnomAD v4.1: 1 of 1,614,046 alleles (0.000062%); highest among the groups gnomAD compares: East Asian, 0.0022%; no homozygotes.

Submission:

Ambry Genetics
Classification: Uncertain significance for Inborn genetic diseases. Last evaluated: 2026-06-04. Review status: criteria provided, single submitter. Criteria: Ambry Variant Classification Scheme 2023. Collection method: clinical testing. Allele origin: germline.
Comment: The c.1624G>A (p.E542K) alteration is located in exon 12 (coding exon 10) of the SRCAP gene. This alteration results from a G to A substitution at nucleotide position 1624, causing the glutamic acid (E) at amino acid position 542 to be replaced by a lysine (K). This variant was not reported in population-based cohorts in the Genome Aggregation Database (gnomAD). This amino acid position is not well conserved in available vertebrate species. The in silico prediction for this alteration is inconclusive. Based on insufficient or conflicting evidence, the clinical significance of this alteration remains unclear.

NM_006662.3(SRCAP):c.1624G>A (p.Glu542Lys)

Gene: SRCAP (Snf2 related CREBBP activator protein; plus strand). Cytogenetic location: 16p11.2.
Variant type: single nucleotide variant.
Coding change: c.1624G>A on transcript NM_006662.3 (MANE Select); coding-DNA position 1624, G replaced by A.
Protein change: p.Glu542Lys; replaces glutamic acid 542 with lysine.
Molecular consequence: missense variant.
Genome position (GRCh38, 1-based): chr16:30,711,966, G>A. VCF-style: chr16-30711966-G-A. GRCh37 (hg19) VCF-style: chr16-30723287-G-A.
Other names: short protein forms E542K.
Identifiers: ClinVar variation 3322583 (VCV003322583.3).